The following is an entry in ClinVar:

NM_021784.5(FOXA2):c.1360G>T (p.Val454Leu)

Gene: FOXA2 (forkhead box A2; minus strand). Cytogenetic location: 20p11.21.
Variant type: single nucleotide variant.
Coding change: c.1360G>T on transcript NM_021784.5 (MANE Select); coding-DNA position 1360, G replaced by T.
Protein change: p.Val454Leu; replaces valine 454 with leucine.
Molecular consequence: missense variant.
Genome position (GRCh38, 1-based): chr20:22,581,882, C>A on the plus strand (G>T on the coding strand, the complement: FOXA2 is on the minus strand). VCF-style: chr20-22581882-C-A. GRCh37 (hg19) VCF-style: chr20-22562520-C-A.
Other names: c.1342G>T, p.Val448Leu (NM_153675.3); short protein forms V448L, V454L.
Identifiers: ClinVar variation 4706303 (VCV004706303.1).
Genomic context (GRCh38, chr20:22,581,882, plus strand): 5'-GTTAGCCGGGCCTGAAGCCGTCGTCTTCTTAAGAGGAGTTCATAATGGGCCGGGAGTACA[C>A]CCCCTGGTAGTAGGAGGTATCTGCGGCCAGGGGCGAGGCGTCCAGGCCCGTTTTGTTCGT-3'
Protein context (NP_068556.2, residues 444-463): LAADTSYYQG[Val454Leu]YSRPIMNSS

ClinVar aggregate classification (germline): Uncertain significance (1 of 4 stars; one submission).

Submission:

Labcorp Genetics (formerly Invitae), Labcorp
Classification: Uncertain significance. Last evaluated: 2025-12-23. Review status: criteria provided, single submitter. Criteria: Invitae Variant Classification Sherloc (09022015). Collection method: clinical testing. Allele origin: germline.
Comment: This sequence change replaces valine, which is neutral and non-polar, with leucine, which is neutral and non-polar, at codon 454 of the FOXA2 protein (p.Val454Leu). This variant is present in population databases (rs772248551, gnomAD 0.006%). This variant has not been reported in the literature in individuals affected with FOXA2-related conditions. An algorithm developed to predict the effect of missense changes on protein structure and function (PolyPhen-2) suggests that this variant is likely to be tolerated. In summary, the available evidence is currently insufficient to determine the role of this variant in disease. Therefore, it has been classified as a Variant of Uncertain Significance.